The following is an entry in ClinVar:

NM_000255.4(MMUT):c.1441del (p.Ser481fs)

Gene: MMUT (methylmalonyl-CoA mutase; minus strand). Cytogenetic location: 6p12.3.
Variant type: Deletion.
Coding change: c.1441del on transcript NM_000255.4 (MANE Select); coding-DNA position 1441, one base deleted (T; older notation c.1441delT).
Protein change: p.Ser481fs; shifts the reading frame from serine 481.
Molecular consequence: frameshift variant.
Genome position (GRCh38, 1-based): chr6:49,448,819, A deleted on the plus strand (T on the coding strand, the reverse complement: MMUT is on the minus strand); the first of 2 consecutive A bases (chr6:49,448,819-49,448,820); deleting either gives the same sequence. VCF-style (leftmost placement, unchanged base first): chr6-49448818-GA-G. GRCh37 (hg19) VCF-style: chr6-49416531-GA-G.
Other names: short protein forms S481fs.
Identifiers: ClinVar variation 863204 (VCV000863204.7), dbSNP rs1767475786, ClinGen allele CA916082834.

ClinVar aggregate classification (germline): Pathogenic (1 of 4 stars; one submission).

Submission:

Labcorp Genetics (formerly Invitae), Labcorp
Classification: Pathogenic. Last evaluated: 2020-11-21. Review status: criteria provided, single submitter. Criteria: Invitae Variant Classification Sherloc (09022015). Collection method: clinical testing. Allele origin: germline.
Comment: For these reasons, this variant has been classified as Pathogenic. Loss-of-function variants in MUT are known to be pathogenic (PMID: 15781192). This variant has not been reported in the literature in individuals with MUT-related conditions. This variant is not present in population databases (ExAC no frequency). This sequence change creates a premature translational stop signal (p.Ser481Leufs*5) in the MUT gene. It is expected to result in an absent or disrupted protein product.

Literature cited by the submitters: PubMed 15781192.